The following is an entry in ClinVar:

NM_000532.5(PCCB):c.1220G>A (p.Gly407Asp)

Gene: PCCB (propionyl-CoA carboxylase subunit beta; plus strand). Cytogenetic location: 3q22.3.
Variant type: single nucleotide variant.
Coding change: c.1220G>A on transcript NM_000532.5 (MANE Select); coding-DNA position 1220, G replaced by A.
Protein change: p.Gly407Asp; replaces glycine 407 with aspartic acid.
Molecular consequence: missense variant.
Genome position (GRCh38, 1-based): chr3:136,327,176, G>A. VCF-style: chr3-136327176-G-A. GRCh37 (hg19) VCF-style: chr3-136046018-G-A.
Other names: c.1280G>A, p.Gly427Asp (NM_001178014.2); short protein forms G407D, G427D.
Identifiers: ClinVar variation 2671772 (VCV002671772.1), dbSNP rs2529972037, ClinGen allele CA354649056.

ClinVar aggregate classification (germline): Uncertain significance (1 of 4 stars; one submission).

Conditions:
Propionic acidemia (PROP). Also called: GLYCINEMIA, KETOTIC; HYPERGLYCINEMIA WITH KETOACIDOSIS AND LEUKOPENIA; KETOTIC HYPERGLYCINEMIA. Identifiers: Orphanet 35, MedGen C0268579, MONDO:0011628, OMIM 606054, HP:0003571.

Submission:

Neuberg Centre For Genomic Medicine, NCGM
Classification: Uncertain significance for Propionic acidemia. Last evaluated: 2023-02-14. Review status: criteria provided, single submitter. Criteria: ACMG Guidelines, 2015. Collection method: clinical testing. Allele origin: germline. Inheritance: Autosomal recessive inheritance. Affected: yes.
Comment: The missense c.1220G>A (p.Gly407Asp) variant in PCCB gene has not been reported previously as a pathogenic variant nor as a benign variant, to our knowledge. The p.Gly407Asp variant is novel (not in any individuals) in gnomAD Exomes and 1000 Genomes. This variant has not been reported to the ClinVar database. The amino acid change p.Gly407Asp in PCCB is predicted as conserved by GERP++ and PhyloP across 100 vertebrates. The amino acid Gly at position 407 is changed to a Asp changing protein sequence and it might alter its composition and physico-chemical properties. For these reasons, this variant has been classified as Variant of Uncertain Significance (VUS).